The following is an entry in ClinVar:

NM_007279.3(U2AF2):c.608delinsTATTCAGT (p.Arg203fs)

Gene: U2AF2 (U2 small nuclear RNA auxiliary factor 2; plus strand). Cytogenetic location: 19q13.42.
Variant type: Indel.
Coding change: c.608delinsTATTCAGT on transcript NM_007279.3 (MANE Select); coding-DNA position 608, G replaced by TATTCAGT.
Protein change: p.Arg203fs; shifts the reading frame from arginine 203.
Molecular consequence: frameshift variant.
Genome position (GRCh38, 1-based): chr19:55,663,610, G replaced by TATTCAGT. VCF-style: chr19-55663610-G-TATTCAGT. GRCh37 (hg19) VCF-style: chr19-56174976-G-TATTCAGT.
Other names: c.608delinsTATTCAGT, p.Arg203fs (NM_001012478.2); c.608delGinsTATTCAGT, p.Arg203Leufs (NM_007279.2); short protein forms R203fs.
Identifiers: ClinVar variation 3375493 (VCV003375493.1).
Genomic context (GRCh38, chr19:55,663,610, plus strand): 5'-GGGGCTGTACTAGTCCCTGACCCCCATCCCTCACCACTCCTTTCTCTTTCATTCAGTTCC[G>TATTCAGT]CTCAGTGGACGAGACTACCCAGGCTATGGCCTTTGATGGCATCATCTTCCAGGGCCAGTC-3'

ClinVar aggregate classification (germline): Uncertain significance (1 of 4 stars; one submission).

Submission:

GeneDx
Classification: Uncertain significance. Last evaluated: 2024-05-06. Review status: criteria provided, single submitter. Criteria: GeneDx Variant Classification Process June 2021. Collection method: clinical testing. Allele origin: germline. Affected: yes.
Comment: Not observed at significant frequency in large population cohorts (gnomAD); Frameshift variant predicted to result in protein truncation or nonsense mediated decay in a gene for which loss-of-function is not an established mechanism of disease; Has not been previously published as pathogenic or benign to our knowledge